The following is an entry in ClinVar:

ClinVar aggregate classification (germline): Uncertain significance (1 of 4 stars; one submission).

Conditions:
Cardiovascular phenotype. Identifiers: MedGen CN230736.

Allele frequency attached by ClinVar (database versions not stated): gnomAD exomes below 0.00001.
gnomAD v4.1: 1 of 1,614,006 alleles (0.000062%); highest among the groups gnomAD compares: Non-Finnish European, 0.000085%; no homozygotes.

Submission:

Ambry Genetics
Classification: Uncertain significance for Cardiovascular phenotype. Last evaluated: 2023-10-29. Review status: criteria provided, single submitter. Criteria: Ambry Variant Classification Scheme 2023. Collection method: clinical testing. Allele origin: germline.
Comment: The p.Q111R variant (also known as c.332A>G), located in coding exon 3 of the PRKAG2 gene, results from an A to G substitution at nucleotide position 332. The glutamine at codon 111 is replaced by arginine, an amino acid with highly similar properties. This amino acid position is conserved. In addition, the in silico prediction for this alteration is inconclusive. Since supporting evidence is limited at this time, the clinical significance of this alteration remains unclear.

NM_016203.4(PRKAG2):c.332A>G (p.Gln111Arg)

Gene: PRKAG2 (protein kinase AMP-activated non-catalytic subunit gamma 2; minus strand). Cytogenetic location: 7q36.1.
Variant type: single nucleotide variant.
Coding change: c.332A>G on transcript NM_016203.4 (MANE Select); coding-DNA position 332, A replaced by G.
Protein change: p.Gln111Arg; replaces glutamine 111 with arginine.
Molecular consequence: missense variant. On other transcripts: intron variant (1).
Genome position (GRCh38, 1-based): chr7:151,781,286, T>C on the plus strand (A>G on the coding strand, the complement: PRKAG2 is on the minus strand). VCF-style: chr7-151781286-T-C. GRCh37 (hg19) VCF-style: chr7-151478372-T-C.
Other names: c.200A>G, p.Gln67Arg (NM_001040633.2, NM_001407024.1, NM_001407026.1 and 2 more transcripts); c.332A>G, p.Gln111Arg (NM_001407021.1, NM_001407022.1, NM_001407023.1 and 2 more transcripts); c.148+33130A>G (NM_001407032.1); short protein forms Q111R, Q67R.
Identifiers: ClinVar variation 3226899 (VCV003226899.1), dbSNP rs2537922315, ClinGen allele CA370069655.